The following is an entry in ClinVar:

ClinVar aggregate classification (germline): Likely benign. Review status: criteria provided, multiple submitters, no conflicts (2 of 4 stars). 4 submissions from 4 submitters: Likely benign (3). 1 of the submissions does not count toward it. Last evaluated 2025-09-27.

Conditions:
SCN9A-related disorder. Also called: SCN9A-related disorders; SCN9A-related condition.
Neuropathy, hereditary sensory and autonomic, type 2A (HSAN2A). Also called: HSAN IIA; ACROOSTEOLYSIS, GIACCAI TYPE; ACROOSTEOLYSIS, NEUROGENIC; MORVAN DISEASE; NEUROPATHY, CONGENITAL SENSORY; NEUROPATHY, HEREDITARY SENSORY RADICULAR, AUTOSOMAL RECESSIVE. Identifiers: Orphanet 970, MedGen C2752089, MONDO:0024309, OMIM 201300.
Generalized epilepsy with febrile seizures plus, type 7 (GEFSP7). Also called: GEFS+, TYPE 7. Identifiers: Orphanet 36387, MedGen C2751778, MONDO:0013470, OMIM 613863.
Inborn genetic diseases. Identifiers: MedGen C0950123, MeSH D030342.

Allele frequency attached by ClinVar (database versions not stated): gnomAD exomes below 0.00001 and 0.00002.
gnomAD v4.1: 28 of 1,613,638 alleles (0.0017%); highest among the groups gnomAD compares: Non-Finnish European, 0.0024%; no homozygotes.

Submissions (4):

Labcorp Genetics (formerly Invitae), Labcorp
Classification: Likely benign for Neuropathy, hereditary sensory and autonomic, type 2A; Generalized epilepsy with febrile seizures plus, type 7. Last evaluated: 2025-09-27. Review status: criteria provided, single submitter. Criteria: Invitae Variant Classification Sherloc (09022015). Collection method: clinical testing. Allele origin: germline.

Ambry Genetics
Classification: Likely benign for Inborn genetic diseases. Last evaluated: 2019-07-11. Review status: criteria provided, single submitter. Criteria: Ambry Variant Classification Scheme 2023. Collection method: clinical testing. Allele origin: germline.

GeneDx
Classification: Likely benign. Last evaluated: 2016-07-29. Review status: criteria provided, single submitter. Criteria: GeneDx Variant Classification (06012015). Collection method: clinical testing. Allele origin: germline. Affected: yes.
Comment: This variant is considered likely benign or benign based on one or more of the following criteria: it is a conservative change, it occurs at a poorly conserved position in the protein, it is predicted to be benign by multiple in silico algorithms, and/or has population frequency not consistent with disease.

PreventionGenetics, part of Exact Sciences
Classification: Likely benign for SCN9A-related condition. Last evaluated: 2019-02-28. Review status: no assertion criteria provided. Collection method: clinical testing. Allele origin: germline. Not counted in ClinVar's aggregate classification.
Comment: This variant is classified as likely benign based on ACMG/AMP sequence variant interpretation guidelines (Richards et al. 2015 PMID: 25741868, with internal and published modifications).

NM_001365536.1(SCN9A):c.798G>A (p.Leu266=)

Gene: SCN9A (sodium voltage-gated channel alpha subunit 9; minus strand). Cytogenetic location: 2q24.3.
Variant type: single nucleotide variant.
Coding change: c.798G>A on transcript NM_001365536.1 (MANE Select); coding-DNA position 798, G replaced by A.
Protein change: p.Leu266=; no amino-acid change (leucine 266 retained).
Molecular consequence: synonymous variant.
Genome position (GRCh38, 1-based): chr2:166,303,193, C>T on the plus strand (G>A on the coding strand, the complement: SCN9A is on the minus strand). VCF-style: chr2-166303193-C-T. GRCh37 (hg19) VCF-style: chr2-167159703-C-T.
Other names: c.798G>A, p.Leu266= (NM_002977.4).
Identifiers: ClinVar variation 388095 (VCV000388095.16), dbSNP rs200925482, ClinGen allele CA16604055.
Genomic context (GRCh38, chr2:166,303,193, plus strand): 5'-TAATGTTTCATTATTTTCAAGTGAATTTCGAAAACATTTATGCTTCAGGTTTCCCATGAA[C>T]AGCTGTAGTCCAATTAGTGCAAACACACTCAGACAGAACACAGTCAGGATCATGACATCA-3'
Protein context (NP_001352465.1, residues 256-276): LSVFALIGLQ[Leu266=]FMGNLKHKCF